The following is an entry in ClinVar:

ClinVar aggregate classification (germline): Pathogenic. Review status: reviewed by expert panel (3 of 4 stars). 10 submissions from 10 submitters: Pathogenic (1). 9 of the submissions do not count toward it. Last evaluated 2016-09-08.

Conditions:
Hereditary breast ovarian cancer syndrome. Also called: Hereditary breast and ovarian cancer syndrome; Hereditary breast and ovarian cancer; Hereditary breast and ovarian cancer syndrome (HBOC); Breast and ovarian cancer; Hereditary breast and/or ovarian cancer syndrome; BRCA1- and BRCA2-Associated Hereditary Breast and Ovarian Cancer. Identifiers: Orphanet 145, MedGen C0677776, MeSH D061325, MONDO:0003582. Disease mechanism: loss of function.
Hereditary cancer-predisposing syndrome. Also called: Neoplastic Syndromes, Hereditary; Tumor predisposition; Hereditary neoplastic syndrome; Hereditary Cancer Syndrome. Identifiers: Orphanet 140162, MedGen C0027672, MeSH D009386, MONDO:0015356.
Breast-ovarian cancer, familial, susceptibility to, 2 (BROVCA2). Also called: BRCA2 Hereditary Breast and Ovarian Cancer. Identifiers: Orphanet 145, MedGen C2675520, MONDO:0012933, OMIM 612555. Disease mechanism: loss of function.
Familial cancer of breast. Also called: BREAST CANCER, FAMILIAL; Hereditary breast cancer; hereditary breast carcinoma. Identifiers: Orphanet 227535, MedGen C0346153, MONDO:0016419, OMIM 114480. Disease mechanism: loss of function.

Submissions (10):

Evidence-based Network for the Interpretation of Germline Mutant Alleles (ENIGMA)
Classification: Pathogenic for Breast-ovarian cancer, familial, susceptibility to, 2. Last evaluated: 2016-09-08. Review status: reviewed by expert panel. Criteria: ENIGMA BRCA1/2 Classification Criteria (2015). Collection method: curation. Allele origin: germline.
Comment: Variant allele predicted to encode a truncated non-functional protein.

Institute of Human Genetics, University of Leipzig Medical Center
Classification: Pathogenic for Familial cancer of breast. Last evaluated: 2025-09-15. Review status: criteria provided, single submitter. Criteria: ACMG Guidelines, 2015. Collection method: clinical testing. Allele origin: unknown. Inheritance: Autosomal dominant inheritance. Affected: yes. Not counted in ClinVar's aggregate classification.
Comment: Criteria applied: PVS1,PM5_STR,PM2_SUP

Color Diagnostics, LLC DBA Color Health
Classification: Pathogenic for Hereditary cancer-predisposing syndrome. Last evaluated: 2024-04-15. Review status: criteria provided, single submitter. Criteria: ACMG Guidelines, 2015. Collection method: clinical testing. Allele origin: germline. Not counted in ClinVar's aggregate classification.
Comment: This variant deletes 2 nucleotides in exon 11 of the BRCA2 gene, creating a frameshift and premature translation stop signal. This variant is expected to result in an absent or non-functional protein product. This variant has been reported in individuals with a personal or family history of breast and/or ovarian cancer (PMID: 10227398, 11802209, 14985394, 29446198, 33471991; Leiden Open Variation Database DB-ID BRCA2_001027) and in an individual affected with colorectal cancer (PMID: 37852034). This variant has not been identified in the general population by the Genome Aggregation Database (gnomAD). Loss of BRCA2 function is a known mechanism of disease. Based on the available evidence, this variant is classified as Pathogenic.

Labcorp Genetics (formerly Invitae), Labcorp
Classification: Pathogenic for Hereditary breast ovarian cancer syndrome. Last evaluated: 2023-04-06. Review status: criteria provided, single submitter. Criteria: Invitae Variant Classification Sherloc (09022015). Collection method: clinical testing. Allele origin: germline. Not counted in ClinVar's aggregate classification.
Comment: This variant is not present in population databases (gnomAD no frequency). For these reasons, this variant has been classified as Pathogenic. ClinVar contains an entry for this variant (Variation ID: 52043). This variant is also known as 6498delTA. This premature translational stop signal has been observed in individual(s) with breast cancer (PMID: 10227398). This sequence change creates a premature translational stop signal (p.His2090Glnfs*9) in the BRCA2 gene. It is expected to result in an absent or disrupted protein product. Loss-of-function variants in BRCA2 are known to be pathogenic (PMID: 20104584).

Ambry Genetics
Classification: Pathogenic for Hereditary cancer-predisposing syndrome. Last evaluated: 2023-01-17. Review status: criteria provided, single submitter. Criteria: Ambry Variant Classification Scheme 2023. Collection method: clinical testing. Allele origin: germline. Not counted in ClinVar's aggregate classification.
Comment: The c.6270_6271delTA pathogenic mutation, located in coding exon 10 of the BRCA2 gene, results from a deletion of two nucleotides at nucleotide positions 6270 to 6271, causing a translational frameshift with a predicted alternate stop codon (p.H2090Qfs*9). This alteration (designated as 6498delTA) was reported in a Belgian family with two cases of breast cancer diagnosed at an average age of 42.5 years (Goelen G et al. J. Med. Genet., 1999 Apr;36:304-8). In addition to the clinical information presented in the literature, this alteration is expected to result in loss of function by premature protein truncation or nonsense-mediated mRNA decay. As such, this alteration is interpreted as a disease-causing mutation.

Women's Health and Genetics/Laboratory Corporation of America, LabCorp
Classification: Pathogenic for Hereditary breast ovarian cancer syndrome. Last evaluated: 2021-07-25. Review status: criteria provided, single submitter. Criteria: LabCorp Variant Classification Summary - May 2015. Collection method: clinical testing. Allele origin: germline. Not counted in ClinVar's aggregate classification.
Comment: Variant summary: BRCA2 c.6270_6271delTA (p.His2090GlnfsX9) results in a premature termination codon, predicted to cause a truncation of the encoded protein or absence of the protein due to nonsense mediated decay, which are commonly known mechanisms for disease. Truncations downstream of this position have been classified as pathogenic by our laboratory. The variant was absent in 244334 control chromosomes (gnomAD). c.6270_6271delTA has been reported in the literature in multiple individuals affected with breast cancer and/or ovarian cancer (Goelen_1999, Meindl_2002, Lecarpentier_2012, Rebbeck_2018). These data indicate that the variant is very likely to be associated with disease. To our knowledge, no experimental evidence demonstrating an impact on protein function has been reported. Four ClinVar submitters (evaluation after 2014), including one expert panel (ENIGMA), cite the variant as pathogenic. Based on the evidence outlined above, the variant was classified as pathogenic.

Consortium of Investigators of Modifiers of BRCA1/2 (CIMBA), c/o University of Cambridge
Classification: Pathogenic for Breast-ovarian cancer, familial, susceptibility to, 2. Last evaluated: 2015-10-02. Review status: criteria provided, single submitter. Criteria: CIMBA Mutation Classification guidelines May 2016. Collection method: clinical testing. Allele origin: germline. Not counted in ClinVar's aggregate classification.

Breast Cancer Information Core (BIC) (BRCA2)
Classification: Pathogenic for Breast-ovarian cancer, familial 2. Review status: no assertion criteria provided. Collection method: clinical testing. Allele origin: germline. Affected: yes. Observed: 1 variant allele. Not counted in ClinVar's aggregate classification.

Clinical Genetics Laboratory, Department of Pathology, Netherlands Cancer Institute
Classification: Pathogenic. Review status: no assertion criteria provided. Collection method: clinical testing. Allele origin: germline. Affected: yes. Study: VKGL Data-share Consensus. Not counted in ClinVar's aggregate classification.

Diagnostic Laboratory, Department of Genetics, University Medical Center Groningen
Classification: Pathogenic. Review status: no assertion criteria provided. Collection method: clinical testing. Allele origin: germline. Affected: yes. Study: VKGL Data-share Consensus. Not counted in ClinVar's aggregate classification.

Literature cited by the submitters: PubMed 10227398 (cited by 4 submitters); PubMed 11802209 (cited by Color Diagnostics, LLC DBA Color Health and Women's Health and Genetics/Laboratory Corporation of America, LabCorp); PubMed 14985394 (cited by Color Diagnostics, LLC DBA Color Health and Women's Health and Genetics/Laboratory Corporation of America, LabCorp); PubMed 29446198 (cited by Color Diagnostics, LLC DBA Color Health and Women's Health and Genetics/Laboratory Corporation of America, LabCorp); PubMed 33471991 (cited by Color Diagnostics, LLC DBA Color Health); PubMed 37852034 (cited by Color Diagnostics, LLC DBA Color Health); PubMed 20104584 (cited by Labcorp Genetics (formerly Invitae), Labcorp); PubMed 22762150 (cited by Women's Health and Genetics/Laboratory Corporation of America, LabCorp); PubMed 20167696 (cited by Women's Health and Genetics/Laboratory Corporation of America, LabCorp).

NM_000059.4(BRCA2):c.6270_6271del (p.His2090fs)

Gene: BRCA2 (BRCA2 DNA repair associated; plus strand). Cytogenetic location: 13q13.1.
Variant type: Deletion.
Coding change: c.6270_6271del on transcript NM_000059.4 (MANE Select); coding-DNA positions 6270 to 6271, 2 bases deleted (TA; older notation c.6270_6271delTA).
Protein change: p.His2090fs; shifts the reading frame from histidine 2090.
Molecular consequence: frameshift variant.
Genome position (GRCh38, 1-based): chr13:32,340,625-32,340,626, TA deleted; deleting any 2 consecutive bases within chr13:32,340,624-32,340,626 gives the same sequence; the c. name uses the placement nearest the transcript's 3' end. VCF-style (leftmost placement, unchanged base first): chr13-32340623-CAT-C. GRCh37 (hg19) VCF-style: chr13-32914760-CAT-C.
Other names: 6498delTA; c.6270_6271delTA (NM_000059.3).
Identifiers: ClinVar variation 52043 (VCV000052043.24), dbSNP rs80359571, ClinGen allele CA023800.